The following is an entry in ClinVar:

NM_001374736.1(DST):c.5203A>G (p.Ser1735Gly)

Gene: DST (dystonin; minus strand). Cytogenetic location: 6p12.1.
Variant type: single nucleotide variant.
Coding change: c.5203A>G on transcript NM_001374736.1 (MANE Select); coding-DNA position 5203, A replaced by G.
Protein change: p.Ser1735Gly; replaces serine 1735 with glycine.
Molecular consequence: missense variant.
Genome position (GRCh38, 1-based): chr6:56,610,507, T>C on the plus strand (A>G on the coding strand, the complement: DST is on the minus strand). VCF-style: chr6-56610507-T-C. GRCh37 (hg19) VCF-style: chr6-56475305-T-C.
Other names: c.5104A>G, p.Ser1702Gly (NM_001144769.5); c.4690A>G, p.Ser1564Gly (NM_001144770.2); c.5203A>G, p.Ser1735Gly (NM_001374722.1); c.4570A>G, p.Ser1524Gly (NM_001374729.1, NM_001374730.1, NM_001386100.1 and 1 more transcripts); c.5230A>G, p.Ser1744Gly (NM_001374734.1); c.3592A>G, p.Ser1198Gly (NM_015548.5); short protein forms S1198G, S1524G, S1564G, S1702G, S1735G, S1744G.
Identifiers: ClinVar variation 999168 (VCV000999168.10), dbSNP rs369218541, ClinGen allele CA3869775.

ClinVar aggregate classification (germline): Conflicting classifications of pathogenicity. Review status: criteria provided, conflicting classifications (1 of 4 stars). 2 submissions from 2 submitters: Uncertain significance (1); Likely benign (1). Last evaluated 2025-04-17.

Conditions:
Inborn genetic diseases. Identifiers: MedGen C0950123, MeSH D030342.
Epidermolysis bullosa simplex 3, localized or generalized intermediate, with BP230 deficiency (EBS3). Also called: Epidermolysis bullosa simplex, autosomal recessive 2; Epidermolysis bullosa simplex due to BP230 deficiency. Identifiers: Orphanet 412181, MedGen C3809470, MONDO:0014180, OMIM 615425.
Hereditary sensory and autonomic neuropathy type 6. Also called: HSAN VI; Neuropathy, hereditary sensory and autonomic, type VI. Identifiers: Orphanet 314381, MedGen C3539003, MONDO:0013839, OMIM 614653.

Allele frequency attached by ClinVar (database versions not stated): gnomAD exomes 0.00001 and 0.00006; 1000 Genomes Project 30x 0.00016; ExAC 0.00019; 1000 Genomes Project 0.00020; gnomAD 0.00021 and 0.00024; ESP Exome Variant Server 0.00026; TOPMed 0.00029.
gnomAD v4.1: 50 of 1,566,874 alleles (0.0032%); highest among the groups gnomAD compares: African/African-American, 0.062%; no homozygotes.

Submissions (2):

Labcorp Genetics (formerly Invitae), Labcorp
Classification: Uncertain significance for Epidermolysis bullosa simplex 3, localized or generalized intermediate, with BP230 deficiency; Hereditary sensory and autonomic neuropathy type 6. Last evaluated: 2025-04-17. Review status: criteria provided, single submitter. Criteria: Invitae Variant Classification Sherloc (09022015). Collection method: clinical testing. Allele origin: germline.
Comment: The DST gene has multiple clinically relevant transcripts. This variant occurs in alternate transcript NM_015548.4, and corresponds to NM_001723.5:c.*5010A>G in the primary transcript. This sequence change replaces serine, which is neutral and polar, with glycine, which is neutral and non-polar, at codon 1198 of the DST protein (p.Ser1198Gly). This variant is present in population databases (rs369218541, gnomAD 0.08%). This variant has not been reported in the literature in individuals affected with DST-related conditions. ClinVar contains an entry for this variant (Variation ID: 999168). Experimental studies and prediction algorithms are not available or were not evaluated, and the functional significance of this variant is currently unknown. In summary, the available evidence is currently insufficient to determine the role of this variant in disease. Therefore, it has been classified as a Variant of Uncertain Significance.

Ambry Genetics
Classification: Likely benign for Inborn genetic diseases. Last evaluated: 2023-04-03. Review status: criteria provided, single submitter. Criteria: Ambry Variant Classification Scheme 2023. Collection method: clinical testing. Allele origin: germline.